The following is an entry in ClinVar:

ClinVar aggregate classification (germline): Benign/Likely benign. Review status: criteria provided, multiple submitters, no conflicts (2 of 4 stars). 4 submissions from 4 submitters: Benign (1); Likely benign (3). Last evaluated 2025-01-26.

Conditions:
BARD1-related cancer predisposition. Identifiers: MedGen CN377756, MONDO:0700267.
Hereditary cancer-predisposing syndrome. Also called: Neoplastic Syndromes, Hereditary; Tumor predisposition; Hereditary Cancer Syndrome; Hereditary neoplastic syndrome. Identifiers: Orphanet 140162, MedGen C0027672, MeSH D009386, MONDO:0015356.
Familial cancer of breast. Also called: Hereditary breast cancer; hereditary breast carcinoma; BREAST CANCER, FAMILIAL. Identifiers: Orphanet 227535, MedGen C0346153, MONDO:0016419, OMIM 114480. Disease mechanism: loss of function.

Allele frequency attached by ClinVar (database versions not stated): gnomAD exomes below 0.00001; TOPMed below 0.00001; ExAC 0.00001; gnomAD 0.00001.
gnomAD v4.1: 2 of 1,580,328 alleles (0.00013%); highest among the groups gnomAD compares: East Asian, 0.0045%; no homozygotes.

Submissions (4):

Labcorp Genetics (formerly Invitae), Labcorp
Classification: Likely benign for Familial cancer of breast. Last evaluated: 2025-01-26. Review status: criteria provided, single submitter. Criteria: Invitae Variant Classification Sherloc (09022015). Collection method: clinical testing. Allele origin: germline.

Myriad Genetics, Inc.
Classification: Benign for Familial cancer of breast. Last evaluated: 2024-07-22. Review status: criteria provided, single submitter. Criteria: Myriad Autosomal Dominant, Autosomal Recessive and X-Linked Classification Criteria (2023). Collection method: clinical testing. Allele origin: unknown.
Comment: This variant is considered benign. This variant is a silent/synonymous amino acid change and it is not expected to impact splicing.

Department of Pathology and Laboratory Medicine, Sinai Health System
Classification: Likely benign for BARD1-related cancer predisposition. Last evaluated: 2022-08-26. Review status: criteria provided, single submitter. Criteria: ACMG Guidelines, 2015. Collection method: clinical testing. Allele origin: germline. Affected: no.

Ambry Genetics
Classification: Likely benign for Hereditary cancer-predisposing syndrome. Last evaluated: 2018-07-30. Review status: criteria provided, single submitter. Criteria: Ambry Variant Classification Scheme 2023. Collection method: clinical testing. Allele origin: germline.

NM_000465.4(BARD1):c.759G>A (p.Gln253=)

Gene: BARD1 (BRCA1 associated RING domain 1; minus strand). Cytogenetic location: 2q35.
Variant type: single nucleotide variant.
Coding change: c.759G>A on transcript NM_000465.4 (MANE Select); coding-DNA position 759, G replaced by A.
Protein change: p.Gln253=; no amino-acid change (glutamine 253 retained).
Molecular consequence: synonymous variant. On other transcripts: non-coding transcript variant (2), intron variant (3).
Genome position (GRCh38, 1-based): chr2:214,781,115, C>T on the plus strand (G>A on the coding strand, the complement: BARD1 is on the minus strand). VCF-style: chr2-214781115-C-T. GRCh37 (hg19) VCF-style: chr2-215645839-C-T.
Other names: c.702G>A, p.Gln234= (NM_001282543.2); c.158+28297G>A (NM_001282548.2); c.215+15946G>A (NM_001282545.2); c.364+11182G>A (NM_001282549.2).
Identifiers: ClinVar variation 414113 (VCV000414113.16), dbSNP rs747929767, ClinGen allele CA2090383.
Genomic context (GRCh38, chr2:214,781,115, plus strand): 5'-TCCAAAACATTCAGATTCTGTCAAGGAGCCACTTGCTAGTAAGTCTATTTCACCATTTAT[C>T]TGAGGACTGGAGATAACAGATGGTTGGCTACAGAAGGATACCAGCTTTTGCTTAGATTCC-3'
Protein context (NP_000456.2, residues 243-263): CSQPSVISSP[Gln253=]INGEIDLLAS